The following is an entry in ClinVar:

ClinVar aggregate classification (germline): Uncertain significance (1 of 4 stars; one submission).

Conditions:
Neurodevelopmental disorder with severe motor impairment and absent language. Also called: NEURODEVELOPMENTAL DISORDER WITH VARIABLE MOTOR AND LANGUAGE IMPAIRMENT. Identifiers: Orphanet 647788, MedGen C4540496, MONDO:0060622, OMIM 617804.

Allele frequency attached by ClinVar (database versions not stated): TOPMed below 0.00001; ExAC 0.00001; gnomAD exomes 0.00001.

Submission:

Neuberg Centre For Genomic Medicine, NCGM
Classification: Uncertain significance for Neurodevelopmental disorder with severe motor impairment and absent language. Review status: criteria provided, single submitter. Criteria: ACMG Guidelines, 2015. Collection method: clinical testing. Allele origin: germline. Affected: yes.
Comment: The missense variant in c.3379C>T(p.Arg1127Trp) in DHX30 gene has not been reported previously as a pathogenic variant nor as a benign variant, to our knowledge. The p.Arg1127Trp variant is novel (not in any individuals) in 1000 Genomes. The amino acid Arg at position 1127 is changed to a Trp changing protein sequence and it might alter its composition and physico-chemical properties. The variant is predicted to be damaging by PolyPhen2 and the residue is conserved across species. The amino acid change p.Arg1127Trp in DHX30 is predicted as conserved by GERP++ and PhyloP across 100 vertebrates. Variant was poorly covered in gnomAD database. Hence, allele frequency may be incorrect. For these reasons, this variant has been classified as Uncertain Significance.

NM_138615.3(DHX30):c.3379C>T (p.Arg1127Trp)

Gene: DHX30 (DExH-box helicase 30; plus strand). Cytogenetic location: 3p21.31.
Variant type: single nucleotide variant.
Coding change: c.3379C>T on transcript NM_138615.3 (MANE Select); coding-DNA position 3379, C replaced by T.
Protein change: p.Arg1127Trp; replaces arginine 1127 with tryptophan.
Molecular consequence: missense variant.
Genome position (GRCh38, 1-based): chr3:47,849,914, C>T. VCF-style: chr3-47849914-C-T. GRCh37 (hg19) VCF-style: chr3-47891404-C-T.
Other names: c.3295C>T, p.Arg1099Trp (NM_001330990.2); c.3262C>T, p.Arg1088Trp (NM_014966.4); short protein forms R1088W, R1099W, R1127W.
Identifiers: ClinVar variation 1878599 (VCV001878599.1), dbSNP rs771169382, ClinGen allele CA2370393.